The following is an entry in ClinVar:

NM_130837.3(OPA1):c.94A>C (p.Lys32Gln)

Gene: OPA1 (OPA1 mitochondrial dynamin like GTPase; plus strand). Cytogenetic location: 3q29.
Variant type: single nucleotide variant.
Coding change: c.94A>C on transcript NM_130837.3 (MANE Select); coding-DNA position 94, A replaced by C.
Protein change: p.Lys32Gln; replaces lysine 32 with glutamine.
Molecular consequence: missense variant. On other transcripts: 5 prime UTR variant (2).
Genome position (GRCh38, 1-based): chr3:193,614,784, A>C. VCF-style: chr3-193614784-A-C. GRCh37 (hg19) VCF-style: chr3-193332573-A-C.
Other names: c.-279A>C (NM_001354663.2, NM_001354664.2); c.94A>C, p.Lys32Gln (NM_015560.3, NM_130831.3, NM_130832.3 and 4 more transcripts); short protein forms K32Q.
Identifiers: ClinVar variation 2833351 (VCV002833351.4), dbSNP rs933583665, ClinGen allele CA90567004.

ClinVar aggregate classification (germline): Uncertain significance. Review status: criteria provided, multiple submitters, no conflicts (2 of 4 stars). 2 submissions from 2 submitters: Uncertain significance (2). Last evaluated 2024-07-12.

gnomAD v4.1: 1 of 1,614,130 alleles (0.000062%); no homozygotes.

Submissions (2):

Blueprint Genetics
Classification: Uncertain significance. Last evaluated: 2024-07-12. Review status: criteria provided, single submitter. Criteria: ACMG Guidelines, 2015. Collection method: clinical testing. Allele origin: germline.

Labcorp Genetics (formerly Invitae), Labcorp
Classification: Uncertain significance. Last evaluated: 2023-01-31. Review status: criteria provided, single submitter. Criteria: Invitae Variant Classification Sherloc (09022015). Collection method: clinical testing. Allele origin: germline.
Comment: This sequence change replaces lysine, which is basic and polar, with glutamine, which is neutral and polar, at codon 32 of the OPA1 protein (p.Lys32Gln). This variant is not present in population databases (gnomAD no frequency). In summary, the available evidence is currently insufficient to determine the role of this variant in disease. Therefore, it has been classified as a Variant of Uncertain Significance. Advanced modeling of protein sequence and biophysical properties (such as structural, functional, and spatial information, amino acid conservation, physicochemical variation, residue mobility, and thermodynamic stability) performed at Invitae indicates that this missense variant is not expected to disrupt OPA1 protein function. This variant has not been reported in the literature in individuals affected with OPA1-related conditions.